The following is an entry in ClinVar:

ClinVar aggregate classification (germline): Uncertain significance. Review status: criteria provided, multiple submitters, no conflicts (2 of 4 stars). 5 submissions from 5 submitters: Uncertain significance (5). Last evaluated 2025-09-25.

Conditions:
Inborn genetic diseases. Identifiers: MedGen C0950123, MeSH D030342.

Allele frequency attached by ClinVar (database versions not stated): gnomAD exomes 0.00006 and 0.00017; ExAC 0.00007; gnomAD 0.00009; TOPMed 0.00009; ESP Exome Variant Server 0.00031.
gnomAD v4.1: 250 of 1,614,174 alleles (0.015%); highest among the groups gnomAD compares: Non-Finnish European, 0.02%; no homozygotes.

Submissions (5):

Ambry Genetics
Classification: Uncertain significance for Inborn genetic diseases. Last evaluated: 2025-09-25. Review status: criteria provided, single submitter. Criteria: Ambry Variant Classification Scheme 2023. Collection method: clinical testing. Allele origin: germline.

Labcorp Genetics (formerly Invitae), Labcorp
Classification: Uncertain significance. Last evaluated: 2025-04-13. Review status: criteria provided, single submitter. Criteria: Invitae Variant Classification Sherloc (09022015). Collection method: clinical testing. Allele origin: germline.
Comment: This sequence change replaces arginine, which is basic and polar, with glutamine, which is neutral and polar, at codon 162 of the TUBB1 protein (p.Arg162Gln). This variant is present in population databases (rs151081609, gnomAD 0.01%). This variant has not been reported in the literature in individuals affected with TUBB1-related conditions. ClinVar contains an entry for this variant (Variation ID: 1312766). Invitae Evidence Modeling of protein sequence and biophysical properties (such as structural, functional, and spatial information, amino acid conservation, physicochemical variation, residue mobility, and thermodynamic stability) indicates that this missense variant is expected to disrupt TUBB1 protein function with a positive predictive value of 80%. In summary, the available evidence is currently insufficient to determine the role of this variant in disease. Therefore, it has been classified as a Variant of Uncertain Significance.

Blueprint Genetics
Classification: Uncertain significance. Last evaluated: 2023-09-15. Review status: criteria provided, single submitter. Criteria: ACMG Guidelines, 2015. Collection method: clinical testing. Allele origin: germline.

GeneDx
Classification: Uncertain significance. Last evaluated: 2020-07-27. Review status: criteria provided, single submitter. Criteria: GeneDx Variant Classification Process June 2021. Collection method: clinical testing. Allele origin: germline. Affected: yes.
Comment: In silico analysis supports that this missense variant has a deleterious effect on protein structure/function; Has not been previously published as pathogenic or benign to our knowledge

Breakthrough Genomics
Classification: Uncertain significance. Review status: criteria provided, single submitter. Criteria: ACMG Guidelines, 2015. Collection method: not provided. Allele origin: germline. Inheritance: Autosomal dominant inheritance. Affected: yes.

NM_030773.4(TUBB1):c.485G>A (p.Arg162Gln)

Gene: TUBB1 (tubulin beta 1 class VI; plus strand). Cytogenetic location: 20q13.32.
Variant type: single nucleotide variant.
Coding change: c.485G>A on transcript NM_030773.4 (MANE Select); coding-DNA position 485, G replaced by A.
Protein change: p.Arg162Gln; replaces arginine 162 with glutamine.
Molecular consequence: missense variant.
Genome position (GRCh38, 1-based): chr20:59,023,912, G>A. VCF-style: chr20-59023912-G-A. GRCh37 (hg19) VCF-style: chr20-57598967-G-A.
Other names: short protein forms R162Q.
Identifiers: ClinVar variation 1312766 (VCV001312766.10), dbSNP rs151081609, ClinGen allele CA9928515.